The following is an entry in ClinVar:

ClinVar aggregate classification (germline): Likely pathogenic (1 of 4 stars; one submission).

Conditions:
Craniofrontonasal syndrome (CFNS). Also called: CRANIOFRONTONASAL DYSOSTOSIS. Identifiers: Orphanet 1520, MedGen C0220767, MONDO:0010570, OMIM 304110.

Submission:

HudsonAlpha Institute for Biotechnology
Classification: Likely pathogenic for Craniofrontonasal syndrome. Last evaluated: 2020-05-20. Review status: criteria provided, single submitter. Criteria: ACMG Guidelines, 2015. Collection method: research. Allele origin: maternal. Affected: yes. Observed: 1 variant allele. Study: CSER-SouthSeq.
Comment: ACMG codes: PVS1, PM2

NM_004429.5(EFNB1):c.24G>A (p.Trp8Ter)

Gene: EFNB1 (ephrin B1; plus strand). Cytogenetic location: Xq13.1.
Variant type: single nucleotide variant.
Coding change: c.24G>A on transcript NM_004429.5 (MANE Select); coding-DNA position 24, G replaced by A.
Protein change: p.Trp8Ter; replaces tryptophan 8 with a stop codon.
Molecular consequence: nonsense.
Genome position (GRCh38, 1-based): chrX:68,829,800, G>A. VCF-style: chrX-68829800-G-A. GRCh37 (hg19) VCF-style: chrX-68049643-G-A.
Other names: short protein forms W8*.
Identifiers: ClinVar variation 929457 (VCV000929457.1), dbSNP rs2080439314, ClinGen allele CA413437014.